The following is an entry in ClinVar:

NM_003776.4(MRPL40):c.2T>C (p.Met1Thr)

Genes: MRPL40 (mitochondrial ribosomal protein L40; plus strand), LOC130066955 (ATAC-STARR-seq lymphoblastoid silent region 13460; plus strand). Cytogenetic location: 22q11.21.
Variant type: single nucleotide variant.
Coding change: c.2T>C on transcript NM_003776.4 (MANE Select); coding-DNA position 2, T replaced by C.
Protein change: p.Met1Thr; changes the start codon (methionine 1).
Molecular consequence: missense variant, initiator codon variant. On other transcripts: 5 prime UTR variant (1).
Genome position (GRCh38, 1-based): chr22:19,432,556, T>C. VCF-style: chr22-19432556-T-C. GRCh37 (hg19) VCF-style: chr22-19420079-T-C.
Other names: c.-383T>C (NM_001318151.2); short protein forms M1T.
Identifiers: ClinVar variation 1925841 (VCV001925841.6), dbSNP rs768055384, ClinGen allele CA10100086.

ClinVar aggregate classification (germline): Uncertain significance (1 of 4 stars; one submission).

Allele frequency attached by ClinVar (database versions not stated): gnomAD exomes 0.00002; ExAC 0.00006.

Submission:

Labcorp Genetics (formerly Invitae), Labcorp
Classification: Uncertain significance. Last evaluated: 2022-09-27. Review status: criteria provided, single submitter. Criteria: Invitae Variant Classification Sherloc (09022015). Collection method: clinical testing. Allele origin: germline.
Comment: In summary, the available evidence is currently insufficient to determine the role of this variant in disease. Therefore, it has been classified as a Variant of Uncertain Significance. Experimental studies and prediction algorithms are not available or were not evaluated, and the functional significance of this variant is currently unknown. This variant has not been reported in the literature in individuals affected with MRPL40-related conditions. This variant is present in population databases (rs768055384, gnomAD 0.02%). This sequence change affects the initiator methionine of the MRPL40 mRNA. The next in-frame methionine is located at codon 45.